The following is an entry in ClinVar:

NM_004752.4(GCM2):c.853del (p.Ser285fs)

Gene: GCM2 (glial cells missing transcription factor 2; minus strand). Cytogenetic location: 6p24.2.
Variant type: Deletion.
Coding change: c.853del on transcript NM_004752.4 (MANE Select); coding-DNA position 853, one base deleted (T; older notation c.853delT).
Protein change: p.Ser285fs; shifts the reading frame from serine 285.
Molecular consequence: frameshift variant.
Genome position (GRCh38, 1-based): chr6:10,874,663, A deleted on the plus strand (T on the coding strand, the reverse complement: GCM2 is on the minus strand); the first of 2 consecutive A bases (chr6:10,874,663-10,874,664); deleting either gives the same sequence. VCF-style (leftmost placement, unchanged base first): chr6-10874662-GA-G. GRCh37 (hg19) VCF-style: chr6-10874895-GA-G.
Other names: short protein forms S285fs.
Identifiers: ClinVar variation 2444139 (VCV002444139.1), dbSNP rs2532749281, ClinGen allele CA2580074219.
Genomic context (GRCh38, chr6:10,874,662, plus strand): 5'-ACCCAGTCTGTGTCATTAGGGATACTGGTGGAATCCTTATAAAGGGTGGGATATGGGCTT[GA>G]ATTTGTATAACCAGGGTTTGCCAATTCATAGCTGCAAGGTGGCCTAGGCAAATAGATTCT-3'

ClinVar aggregate classification (germline): Likely pathogenic (1 of 4 stars; one submission).

Conditions:
Hypoparathyroidism, familial isolated, 2. Identifiers: MedGen C5394383, MONDO:0020798, OMIM 618883.

Submission:

3billion
Classification: Likely pathogenic for Hypoparathyroidism, familial isolated, 2. Last evaluated: 2023-02-23. Review status: criteria provided, single submitter. Criteria: ACMG Guidelines, 2015. Collection method: clinical testing. Allele origin: unknown. Affected: yes.
Comment: The variant is not observed in the gnomAD v2.1.1 dataset. This homozygous variant was predicted to result in a loss or disruption of normal protein function through protein truncation. The predicted truncated protein may be shortened by more than 10%. Multiple pathogenic variants are reported downstream of the variant. Therefore, this variant is classified as Likely pathogenic according to the recommendation of ACMG/AMP guideline.